The following is an entry in ClinVar:

ClinVar aggregate classification (germline): Uncertain significance (1 of 4 stars; one submission).

gnomAD v4.1: 1 of 1,614,030 alleles (0.000062%); highest among the groups gnomAD compares: African/African-American, 0.0013%; no homozygotes.

Submission:

GeneDx
Classification: Uncertain significance. Last evaluated: 2023-12-14. Review status: criteria provided, single submitter. Criteria: GeneDx Variant Classification Process June 2021. Collection method: clinical testing. Allele origin: germline. Affected: yes.
Comment: Not observed at significant frequency in large population cohorts (gnomAD); In silico analysis supports that this missense variant has a deleterious effect on protein structure/function; In silico analysis suggests this variant may impact gene splicing. In the absence of RNA/functional studies, the actual effect of this sequence change is unknown.; Has not been previously published as pathogenic or benign to our knowledge

NM_032043.3(BRIP1):c.1984G>C (p.Ala662Pro)

Gene: BRIP1 (BRCA1 interacting DNA helicase 1; minus strand). Cytogenetic location: 17q23.2.
Variant type: single nucleotide variant.
Coding change: c.1984G>C on transcript NM_032043.3 (MANE Select); coding-DNA position 1984, G replaced by C.
Protein change: p.Ala662Pro; replaces alanine 662 with proline.
Molecular consequence: missense variant.
Genome position (GRCh38, 1-based): chr17:61,776,514, C>G on the plus strand (G>C on the coding strand, the complement: BRIP1 is on the minus strand). VCF-style: chr17-61776514-C-G. GRCh37 (hg19) VCF-style: chr17-59853875-C-G.
Other names: short protein forms A662P.
Identifiers: ClinVar variation 3365550 (VCV003365550.1).